The following is an entry in ClinVar:

NM_000051.4(ATM):c.6613T>C (p.Trp2205Arg)

Genes: ATM (ATM serine/threonine kinase; plus strand), C11orf65 (chromosome 11 open reading frame 65; minus strand). Cytogenetic location: 11q22.3.
Variant type: single nucleotide variant.
Coding change: c.6613T>C on transcript NM_000051.4 (MANE Select); coding-DNA position 6613, T replaced by C.
Protein change: p.Trp2205Arg; replaces tryptophan 2205 with arginine.
Molecular consequence: missense variant. On other transcripts: intron variant (2).
Genome position (GRCh38, 1-based): chr11:108,325,350, T>C. VCF-style: chr11-108325350-T-C. GRCh37 (hg19) VCF-style: chr11-108196077-T-C.
Other names: c.6613T>C, p.Trp2205Arg (NM_001351834.2); c.641-16279A>G (NM_001330368.2); c.*38+9870A>G (NM_001351110.2); short protein forms W2205R.
Identifiers: ClinVar variation 232948 (VCV000232948.18), dbSNP rs755656958, ClinGen allele CA10579227.

ClinVar aggregate classification (germline): Uncertain significance. Review status: criteria provided, multiple submitters, no conflicts (2 of 4 stars). 3 submissions from 3 submitters: Uncertain significance (3). Last evaluated 2025-03-11.

Conditions:
Hereditary cancer-predisposing syndrome. Also called: Neoplastic Syndromes, Hereditary; Hereditary neoplastic syndrome; Tumor predisposition; Hereditary Cancer Syndrome. Identifiers: Orphanet 140162, MedGen C0027672, MeSH D009386, MONDO:0015356.
Ataxia-telangiectasia syndrome (AT). Also called: Ataxia telangiectasia (A-T); Cerebello-oculocutaneous telangiectasia; Immunodeficiency with ataxia telangiectasia; LOUIS-BAR SYNDROME; AT, COMPLEMENTATION GROUP C; ATAXIA-TELANGIECTASIA, FRESNO VARIANT. Identifiers: Orphanet 100, MedGen C0004135, MONDO:0008840, OMIM 208900.

Allele frequency attached by ClinVar (database versions not stated): gnomAD 0.00001.
gnomAD v4.1: 2 of 1,612,734 alleles (0.00012%); highest among the groups gnomAD compares: South Asian, 0.0022%; 1 homozygote.

Submissions (3):

Labcorp Genetics (formerly Invitae), Labcorp
Classification: Uncertain significance for Ataxia-telangiectasia syndrome. Last evaluated: 2025-03-11. Review status: criteria provided, single submitter. Criteria: Invitae Variant Classification Sherloc (09022015). Collection method: clinical testing. Allele origin: germline.
Comment: This sequence change replaces tryptophan, which is neutral and slightly polar, with arginine, which is basic and polar, at codon 2205 of the ATM protein (p.Trp2205Arg). This variant is not present in population databases (gnomAD no frequency). This variant has not been reported in the literature in individuals affected with ATM-related conditions. ClinVar contains an entry for this variant (Variation ID: 232948). Invitae Evidence Modeling of protein sequence and biophysical properties (such as structural, functional, and spatial information, amino acid conservation, physicochemical variation, residue mobility, and thermodynamic stability) indicates that this missense variant is expected to disrupt ATM protein function with a positive predictive value of 95%. In summary, the available evidence is currently insufficient to determine the role of this variant in disease. Therefore, it has been classified as a Variant of Uncertain Significance.

Ambry Genetics
Classification: Uncertain significance for Hereditary cancer-predisposing syndrome. Last evaluated: 2024-03-13. Review status: criteria provided, single submitter. Criteria: Ambry Variant Classification Scheme 2023. Collection method: clinical testing. Allele origin: germline.
Comment: The p.W2205R variant (also known as c.6613T>C), located in coding exon 45 of the ATM gene, results from a T to C substitution at nucleotide position 6613. The tryptophan at codon 2205 is replaced by arginine, an amino acid with dissimilar properties. This amino acid position is highly conserved in available vertebrate species. In addition, this alteration is predicted to be deleterious by in silico analysis. Since supporting evidence is limited at this time, the clinical significance of this alteration remains unclear.

Color Diagnostics, LLC DBA Color Health
Classification: Uncertain significance for Hereditary cancer-predisposing syndrome. Last evaluated: 2023-12-04. Review status: criteria provided, single submitter. Criteria: ACMG Guidelines, 2015. Collection method: clinical testing. Allele origin: germline.
Comment: This missense variant replaces tryptophan with arginine at codon 2205 of the ATM protein. Computational prediction suggests that this variant may have deleterious impact on protein structure and function (internally defined REVEL score threshold >= 0.7, PMID: 27666373). To our knowledge, functional studies have not been reported for this variant. This variant has not been reported in individuals affected with ATM-related disorders in the literature. This variant has not been identified in the general population by the Genome Aggregation Database (gnomAD). The available evidence is insufficient to determine the role of this variant in disease conclusively. Therefore, this variant is classified as a Variant of Uncertain Significance.